The following is an entry in ClinVar:

ClinVar aggregate classification (germline): Uncertain significance. Review status: criteria provided, multiple submitters, no conflicts (2 of 4 stars). 5 submissions from 5 submitters: Uncertain significance (4). 1 of the submissions does not count toward it. Last evaluated 2025-11-28.

Conditions:
Autosomal dominant osteopetrosis 1 (OPTA1). Also called: OSTEOPETROSIS, AUTOSOMAL DOMINANT, TYPE I. Identifiers: Orphanet 2783, MedGen C1843330, MONDO:0011877, OMIM 607634.
Polycystic liver disease 4 with or without kidney cysts. Identifiers: MedGen C4693479, MONDO:0044327, OMIM 617875.
Osteoporosis with pseudoglioma (OPPG). Also called: osteoporosis-pseudoglioma syndrome. Identifiers: Orphanet 2788, MedGen C0432252, MONDO:0009820, OMIM 259770.
Worth disease. Also called: ENDOSTEAL HYPEROSTOSIS, AUTOSOMAL DOMINANT; Autosomal dominant osteosclerosis, Worth type; OSTEOSCLEROSIS, AUTOSOMAL DOMINANT. Identifiers: Orphanet 2790, MedGen C0432273, MONDO:0007764, OMIM 144750.
Exudative vitreoretinopathy 4 (EVR4). Identifiers: Orphanet 891, MedGen C1866176, MONDO:0011151, OMIM 601813.
Bone mineral density quantitative trait locus 1 (BMND1). Identifiers: MedGen C1866079, OMIM 601884.
LRP5-related disorder. Also called: LRP5-related condition.

Allele frequency attached by ClinVar (database versions not stated): gnomAD 0.00004 and 0.00005; TOPMed 0.00004; ExAC 0.00007; gnomAD exomes 0.00007 and 0.00008; 1000 Genomes Project 30x 0.00016; 1000 Genomes Project 0.00020.
gnomAD v4.1: 111 of 1,614,118 alleles (0.0069%); highest among the groups gnomAD compares: South Asian, 0.048%; no homozygotes.

Submissions (5):

Labcorp Genetics (formerly Invitae), Labcorp
Classification: Uncertain significance. Last evaluated: 2025-11-28. Review status: criteria provided, single submitter. Criteria: Invitae Variant Classification Sherloc (09022015). Collection method: clinical testing. Allele origin: germline.
Comment: This sequence change replaces threonine, which is neutral and polar, with methionine, which is neutral and non-polar, at codon 672 of the LRP5 protein (p.Thr672Met). This variant is present in population databases (rs575865236, gnomAD 0.04%). This missense change has been observed in individual(s) with exudative vitreoretinopathy (PMID: 38928247). ClinVar contains an entry for this variant (Variation ID: 1050043). Invitae Evidence Modeling of protein sequence and biophysical properties (such as structural, functional, and spatial information, amino acid conservation, physicochemical variation, residue mobility, and thermodynamic stability) indicates that this missense variant is not expected to disrupt LRP5 protein function with a negative predictive value of 95%. In summary, the available evidence is currently insufficient to determine the role of this variant in disease. Therefore, it has been classified as a Variant of Uncertain Significance.

PreventionGenetics, part of Exact Sciences
Classification: Uncertain significance for LRP5-related condition. Last evaluated: 2025-09-22. Review status: criteria provided, single submitter. Criteria: ACMG Guidelines, 2015. Collection method: clinical testing. Allele origin: germline.
Comment: The LRP5 c.2015C>T variant is predicted to result in the amino acid substitution p.Thr672Met. This variant has been reported in an individual with recurrent fractures whose disease could be explained by a variant in the COL1A2 gene (Table S2, Abolhassani et al. 2024. PubMed ID: 38374194). This variant is present in 0.039% of alleles in individuals of South Asian descent in gnomAD. At this time, the clinical significance of this variant is uncertain due to the absence of conclusive functional and genetic evidence.

Blueprint Genetics
Classification: Uncertain significance. Last evaluated: 2024-08-30. Review status: criteria provided, single submitter. Criteria: ACMG Guidelines, 2015. Collection method: clinical testing. Allele origin: germline.

Fulgent Genetics
Classification: Uncertain significance for Worth disease; Osteoporosis with pseudoglioma; Exudative vitreoretinopathy 4; Bone mineral density quantitative trait locus 1; Autosomal dominant osteopetrosis 1; Polycystic liver disease 4 with or without kidney cysts. Last evaluated: 2024-05-22. Review status: criteria provided, single submitter. Criteria: ACMG Guidelines, 2015. Collection method: clinical testing. Allele origin: germline.

Department of Pathology and Laboratory Medicine, Sinai Health System
Classification: Uncertain significance. Review status: no assertion criteria provided. Collection method: clinical testing. Allele origin: unknown. Affected: yes. Study: The Canadian Open Genetics Repository (COGR). Not counted in ClinVar's aggregate classification.
Comment: The LRP5 p.Thr672Met variant was not identified in the literature nor was it identified in ClinVar or LOVD 3.0. The variant was identified in dbSNP (ID: rs575865236) and in control databases in 21 of 282710 chromosomes at a frequency of 0.00007428 (Genome Aggregation Database March 6, 2019, v2.1.1). The variant was observed in the following populations: South Asian in 12 of 30614 chromosomes (freq: 0.000392), European (non-Finnish) in 8 of 129074 chromosomes (freq: 0.000062) and African in 1 of 24960 chromosomes (freq: 0.00004), but was not observed in the Latino, Ashkenazi Jewish, East Asian, European (Finnish), or other populations. The p.Thr672 residue is conserved in mammals and computational analyses (PolyPhen-2, SIFT, AlignGVGD, BLOSUM, MutationTaster) suggest that the variant may impact the protein. The variant occurs outside of the splicing consensus sequence and in silico or computational prediction software programs (SpliceSiteFinder, MaxEntScan, NNSPLICE, GeneSplicer) do not predict a difference in splicing. In summary, based on the above information the clinical significance of this variant cannot be determined with certainty at this time. This variant is classified as a variant of uncertain significance.

Literature cited by the submitters: PubMed 38928247 (cited by Labcorp Genetics (formerly Invitae), Labcorp).

NM_002335.4(LRP5):c.2015C>T (p.Thr672Met)

Gene: LRP5 (LDL receptor related protein 5; plus strand). Cytogenetic location: 11q13.2.
Variant type: single nucleotide variant.
Coding change: c.2015C>T on transcript NM_002335.4 (MANE Select); coding-DNA position 2015, C replaced by T.
Protein change: p.Thr672Met; replaces threonine 672 with methionine.
Molecular consequence: missense variant.
Genome position (GRCh38, 1-based): chr11:68,406,737, C>T. VCF-style: chr11-68406737-C-T. GRCh37 (hg19) VCF-style: chr11-68174205-C-T.
Other names: c.272C>T, p.Thr91Met (NM_001291902.2); c.2015C>T (NM_002335.3); short protein forms T672M, T91M.
Identifiers: ClinVar variation 1050043 (VCV001050043.11), dbSNP rs575865236, ClinGen allele CA6149508.